The following is an entry in ClinVar:

ClinVar aggregate classification (germline): Pathogenic (1 of 4 stars; one submission).

Submission:

Labcorp Genetics (formerly Invitae), Labcorp
Classification: Pathogenic. Last evaluated: 2024-11-04. Review status: criteria provided, single submitter. Criteria: Invitae Variant Classification Sherloc (09022015). Collection method: clinical testing. Allele origin: germline.
Comment: This sequence change creates a premature translational stop signal (p.His2158Profs*9) in the PRPF8 gene. It is expected to result in an absent or disrupted protein product. Loss-of-function variants in PRPF8 are known to be pathogenic (PMID: 27208204, 31054281, 33946315). This variant is not present in population databases (gnomAD no frequency). This variant has not been reported in the literature in individuals affected with PRPF8-related conditions. ClinVar contains an entry for this variant (Variation ID: 2106271). For these reasons, this variant has been classified as Pathogenic.

Literature cited by the submitters: PubMed 27208204; PubMed 31054281; PubMed 33946315.

NM_006445.4(PRPF8):c.6473_6474del (p.His2158fs)

Gene: PRPF8 (pre-mRNA processing factor 8; minus strand). Cytogenetic location: 17p13.3.
Variant type: Deletion.
Coding change: c.6473_6474del on transcript NM_006445.4 (MANE Select); coding-DNA positions 6473 to 6474, 2 bases deleted (AC; older notation c.6473_6474delAC).
Protein change: p.His2158fs; shifts the reading frame from histidine 2158.
Molecular consequence: frameshift variant.
Genome position (GRCh38, 1-based): chr17:1,651,684-1,651,685, GT deleted on the plus strand (AC on the coding strand, the reverse complement: PRPF8 is on the minus strand); deleting any 2 consecutive bases within chr17:1,651,684-1,651,686 gives the same sequence; the c. name uses the placement nearest the transcript's 3' end. VCF-style (leftmost placement, unchanged base first): chr17-1651683-GGT-G. GRCh37 (hg19) VCF-style: chr17-1554977-GGT-G.
Other names: short protein forms H2158fs.
Identifiers: ClinVar variation 2106271 (VCV002106271.4), dbSNP rs1911079646, ClinGen allele CA2242978308.